The following is an entry in ClinVar:

NC_000013.11:g.(32346897_32354860)_(32357930_32362522)del

Gene: BRCA2 (BRCA2 DNA repair associated; plus strand). Cytogenetic location: 13q13.1.
Variant type: Deletion.
Identifiers: ClinVar variation 981958 (VCV000981958.2).

ClinVar aggregate classification (germline): Pathogenic (1 of 4 stars; one submission).

Conditions:
Hereditary breast ovarian cancer syndrome. Also called: Hereditary breast and ovarian cancer syndrome; Hereditary breast and/or ovarian cancer syndrome; Hereditary breast and ovarian cancer syndrome (HBOC); Hereditary breast and ovarian cancer; Breast and ovarian cancer; BRCA1- and BRCA2-Associated Hereditary Breast and Ovarian Cancer. Identifiers: Orphanet 145, MedGen C0677776, MeSH D061325, MONDO:0003582. Disease mechanism: loss of function.

Submission:

Women's Health and Genetics/Laboratory Corporation of America, LabCorp
Classification: Pathogenic for Hereditary breast ovarian cancer syndrome. Last evaluated: 2025-03-05. Review status: criteria provided, single submitter. Criteria: LabCorp Variant Classification Summary - May 2015. Collection method: clinical testing. Allele origin: germline.
Comment: Variant summary: The variant involves the deletion of exons 14-16 in the BRCA2 gene. A presumed nomenclature of c.(7007+1_7008-1)_(7805+1_7806-1)del has been designated for the purposes of this classification. This Copy Number Variant (CNV) is predicted to result in an in-frame deletion within this gene. The variant was absent in 120780 control chromosomes in the gnomAD database (Structural Variants v4.1 dataset). Deletion of exons 14-16 has been reported in the literature in individuals affected with breast and/or ovarian cancer and prostate cancer (Woodward_2005, Edwards_2010, Kang_2010). These data indicate that the variant is likely to be associated with disease. To our knowledge, no experimental evidence demonstrating an impact on protein function has been reported. The following publications have been ascertained in the context of this evaluation (PMID: 20736950, 15863663, 20617377). ClinVar contains entries for this variant (Variation IDs: 650722; 3244185). Based on the evidence outlined above, the variant was classified as pathogenic.

Literature cited by the submitters: PubMed 20736950; PubMed 15863663; PubMed 20617377.